The following is an entry in ClinVar:

NM_024408.4(NOTCH2):c.6512C>T (p.Thr2171Ile)

Gene: NOTCH2 (notch receptor 2; minus strand). Cytogenetic location: 1p12.
Variant type: single nucleotide variant.
Coding change: c.6512C>T on transcript NM_024408.4 (MANE Select); coding-DNA position 6512, C replaced by T.
Protein change: p.Thr2171Ile; replaces threonine 2171 with isoleucine.
Molecular consequence: missense variant.
Genome position (GRCh38, 1-based): chr1:119,916,210, G>A on the plus strand (C>T on the coding strand, the complement: NOTCH2 is on the minus strand). VCF-style: chr1-119916210-G-A. GRCh37 (hg19) VCF-style: chr1-120458833-G-A.
Other names: c.6512C>T (NM_024408.3); short protein forms T2171I.
Identifiers: ClinVar variation 1467289 (VCV001467289.9), dbSNP rs1204320422, ClinGen allele CA341877728.
Genomic context (GRCh38, chr1:119,916,210, plus strand): 5'-GCAGGAGGGGCGGCAGTGGCCAACATAGGGTTGGGTGAGGCCTGTAAGATCCCAGGGGAT[G>A]TAATCATTGGAGAGGATGTGGTGTCGGAAACATACGTGTGAGGAGATTCTAGGGAATCAA-3'
Protein context (NP_077719.2, residues 2161-2181): VSDTTSSPMI[Thr2171Ile]SPGILQASPN

ClinVar aggregate classification (germline): Uncertain significance. Review status: criteria provided, multiple submitters, no conflicts (2 of 4 stars). 3 submissions from 3 submitters: Uncertain significance (3). Last evaluated 2025-09-25.

Conditions:
Inborn genetic diseases. Identifiers: MedGen C0950123, MeSH D030342.
Hajdu-Cheney syndrome (HJCYS). Also called: ACROOSTEOLYSIS WITH OSTEOPOROSIS AND CHANGES IN SKULL AND MANDIBLE; SERPENTINE FIBULA-POLYCYSTIC KIDNEY SYNDROME; Acroosteolysis dominant type. Identifiers: Orphanet 955, MedGen C0917715, MONDO:0007057, OMIM 102500.

Allele frequency attached by ClinVar (database versions not stated): gnomAD exomes below 0.00001.
gnomAD v4.1: 4 of 1,614,246 alleles (0.00025%); highest among the groups gnomAD compares: East Asian, 0.0022%; no homozygotes.

Submissions (3):

Labcorp Genetics (formerly Invitae), Labcorp
Classification: Uncertain significance for Hajdu-Cheney syndrome. Last evaluated: 2025-09-25. Review status: criteria provided, single submitter. Criteria: Invitae Variant Classification Sherloc (09022015). Collection method: clinical testing. Allele origin: germline.
Comment: This sequence change replaces threonine, which is neutral and polar, with isoleucine, which is neutral and non-polar, at codon 2171 of the NOTCH2 protein (p.Thr2171Ile). This variant is present in population databases (no rsID available, gnomAD 0.006%). This variant has not been reported in the literature in individuals affected with NOTCH2-related conditions. ClinVar contains an entry for this variant (Variation ID: 1467289). Invitae Evidence Modeling of protein sequence and biophysical properties (such as structural, functional, and spatial information, amino acid conservation, physicochemical variation, residue mobility, and thermodynamic stability) indicates that this missense variant is not expected to disrupt NOTCH2 protein function with a negative predictive value of 80%. In summary, the available evidence is currently insufficient to determine the role of this variant in disease. Therefore, it has been classified as a Variant of Uncertain Significance.

Genesolutions, Medical Genetics Institutes, Ho Chi Minh City, Vietnam
Classification: Uncertain significance for Hajdu-Cheney syndrome. Last evaluated: 2025-09-24. Review status: criteria provided, single submitter. Criteria: ACMG Guidelines, 2015. Collection method: clinical testing. Allele origin: germline. Affected: yes.

Ambry Genetics
Classification: Uncertain significance for Inborn genetic diseases. Last evaluated: 2024-03-26. Review status: criteria provided, single submitter. Criteria: Ambry Variant Classification Scheme 2023. Collection method: clinical testing. Allele origin: germline.